The following is an entry in ClinVar:

NM_001110556.2(FLNA):c.7649C>T (p.Pro2550Leu)

Genes: FLNA (filamin A; minus strand), LOC107988032 (Xq28 proximal FLNA-EMD recombination region; plus strand). Cytogenetic location: Xq28.
Variant type: single nucleotide variant.
Coding change: c.7649C>T on transcript NM_001110556.2 (MANE Select); coding-DNA position 7649, C replaced by T.
Protein change: p.Pro2550Leu; replaces proline 2550 with leucine.
Molecular consequence: missense variant.
Genome position (GRCh38, 1-based): chrX:154,349,469, G>A on the plus strand (C>T on the coding strand, the complement: FLNA is on the minus strand). VCF-style: chrX-154349469-G-A. GRCh37 (hg19) VCF-style: chrX-153577837-G-A.
Other names: p.P2542L:CCG>CTG; c.7625C>T, p.Pro2542Leu (NM_001456.4); c.7649C>T (NM_001110556.1); short protein forms P2542L, P2550L.
Identifiers: ClinVar variation 213487 (VCV000213487.25), dbSNP rs371724771, ClinGen allele CA319753.

ClinVar aggregate classification (germline): Conflicting classifications of pathogenicity. Review status: criteria provided, conflicting classifications (1 of 4 stars). 5 submissions from 5 submitters: Uncertain significance (1); Likely benign (3). 1 of the submissions does not count toward it. Last evaluated 2025-12-01.

Conditions:
Oto-palato-digital syndrome, type II (OPD2). Also called: Otopalatodigital Syndrome, Type II; FACIOPALATOOSSEOUS SYNDROME; OPD II SYNDROME; Otopalatodigital Syndrome Type 2 (FLNA-OPD2). Identifiers: Orphanet 669, Orphanet 90652, MedGen C1844696, MONDO:0010571, OMIM 304120.
Frontometaphyseal dysplasia (FMD1). Identifiers: Orphanet 1826, MedGen C0265293, MONDO:0015942.
Heterotopia, periventricular, X-linked dominant (PVNH1). Also called: PERIVENTRICULAR NODULAR HETEROTOPIA 1; X-linked periventricular heterotopia; PERIVENTRICULAR NODULAR HETEROTOPIA 4; HETEROTOPIA, PERIVENTRICULAR, 1. Identifiers: Orphanet 2149, Orphanet 82004, MedGen C1848213, MONDO:0010233, OMIM 300049.
Melnick-Needles syndrome (MNS). Also called: MELNICK-NEEDLES OSTEODYSPLASTY; OSTEODYSPLASTY OF MELNICK AND NEEDLES; Melnick-Needles Syndrome (FLNA-MNS). Identifiers: Orphanet 2484, MedGen C0025237, MONDO:0010650, OMIM 309350.
FLNA-related disorder.
Familial thoracic aortic aneurysm and aortic dissection (TAAD). Also called: Thoracic aortic aneurysms and dissections. Identifiers: Orphanet 91387, MedGen C4707243, MONDO:0019625.

Allele frequency attached by ClinVar (database versions not stated): TOPMed 0.00002; gnomAD 0.00003; gnomAD exomes 0.00003; ExAC 0.00006; ESP Exome Variant Server 0.00010.
gnomAD v4.1: 38 of 1,210,820 alleles (0.0031%); highest among the groups gnomAD compares: Middle Eastern, 0.092%; no homozygotes.

Submissions (5):

Labcorp Genetics (formerly Invitae), Labcorp
Classification: Likely benign for Oto-palato-digital syndrome, type II; Heterotopia, periventricular, X-linked dominant; Frontometaphyseal dysplasia; Melnick-Needles syndrome. Last evaluated: 2025-12-01. Review status: criteria provided, single submitter. Criteria: Invitae Variant Classification Sherloc (09022015). Collection method: clinical testing. Allele origin: germline.

GeneDx
Classification: Likely benign. Last evaluated: 2020-04-02. Review status: criteria provided, single submitter. Criteria: GeneDx Variant Classification Process June 2021. Collection method: clinical testing. Allele origin: germline. Affected: yes.

ARUP Laboratories, Molecular Genetics and Genomics, ARUP Laboratories
Classification: Uncertain significance. Last evaluated: 2019-08-12. Review status: criteria provided, single submitter. Criteria: ARUP Molecular Germline Variant Investigation Process. Collection method: clinical testing. Allele origin: germline.

Ambry Genetics
Classification: Likely benign for Familial thoracic aortic aneurysm and aortic dissection. Last evaluated: 2019-07-30. Review status: criteria provided, single submitter. Criteria: Ambry Variant Classification Scheme 2023. Collection method: clinical testing. Allele origin: germline.

PreventionGenetics, part of Exact Sciences
Classification: Likely benign for FLNA-related condition. Last evaluated: 2021-02-13. Review status: no assertion criteria provided. Collection method: clinical testing. Allele origin: germline. Not counted in ClinVar's aggregate classification.
Comment: This variant is classified as likely benign based on ACMG/AMP sequence variant interpretation guidelines (Richards et al. 2015 PMID: 25741868, with internal and published modifications).